The following is an entry in ClinVar:

ClinVar aggregate classification (germline): Uncertain significance (1 of 4 stars; one submission).

Submission:

Labcorp Genetics (formerly Invitae), Labcorp
Classification: Uncertain significance. Last evaluated: 2021-03-27. Review status: criteria provided, single submitter. Criteria: Invitae Variant Classification Sherloc (09022015). Collection method: clinical testing. Allele origin: germline.
Comment: In summary, the available evidence is currently insufficient to determine the role of this variant in disease. Therefore, it has been classified as a Variant of Uncertain Significance. Experimental studies and prediction algorithms are not available or were not evaluated, and the functional significance of this variant is currently unknown. This variant has not been reported in the literature in individuals with EYS-related conditions. The frequency data for this variant in the population databases is considered unreliable, as metrics indicate insufficient coverage at this position in the ExAC database. This variant occurs in a non-coding region of the EYS gene. It does not change the encoded amino acid sequence of the EYS protein.

NM_001142800.2(EYS):c.-450G>C

Gene: EYS (EGF-like photoreceptor maintenance factor; minus strand). Cytogenetic location: 6q12.
Variant type: single nucleotide variant.
Coding change: c.-450G>C on transcript NM_001142800.2 (MANE Select); 450 bases upstream of the start codon, G replaced by C.
Molecular consequence: 5 prime UTR variant.
Genome position (GRCh38, 1-based): chr6:65,707,137, C>G on the plus strand (G>C on the coding strand, the complement: EYS is on the minus strand). VCF-style: chr6-65707137-C-G. GRCh37 (hg19) VCF-style: chr6-66417030-C-G.
Other names: c.-450G>C (NM_001142801.2, NM_001292009.2).
Identifiers: ClinVar variation 1520679 (VCV001520679.6), dbSNP rs2149856985, ClinGen allele CA2573141206.